The following is an entry in ClinVar:

ClinVar aggregate classification (germline): Conflicting classifications of pathogenicity. Review status: criteria provided, conflicting classifications (1 of 4 stars). 2 submissions from 2 submitters: Uncertain significance (1); Likely benign (1). Last evaluated 2025-02-16.

Conditions:
Microphthalmia, isolated, with coloboma 6 (MCOPCB6). Also called: Microphthalmia with coloboma 6, digenic; Microphthalmia with coloboma 6; MICROPHTHALMIA/COLOBOMA 6. Identifiers: Orphanet 98938, MedGen C3150968, MONDO:0013376, OMIM 613703.
Isolated microphthalmia 4. Identifiers: Orphanet 2542, MedGen C2751307, MONDO:0013130, OMIM 613094.
Klippel-Feil syndrome 1, autosomal dominant (KFS1). Also called: CERVICAL VERTEBRAL FUSION, AUTOSOMAL DOMINANT. Identifiers: Orphanet 2345, MedGen C1861689, MONDO:0007306, OMIM 118100.
Leber congenital amaurosis 17 (LCA17). Identifiers: Orphanet 65, MedGen C3715164, MONDO:0014145, OMIM 615360.

Allele frequency attached by ClinVar (database versions not stated): TOPMed below 0.00001; gnomAD exomes 0.00001.

Submissions (2):

Laboratory of Genetics, Children's Clinical University Hospital Latvia
Classification: Likely benign. Last evaluated: 2025-02-16. Review status: criteria provided, single submitter. Criteria: ACMG Guidelines, 2015. Collection method: clinical testing. Allele origin: germline. Affected: yes.

Labcorp Genetics (formerly Invitae), Labcorp
Classification: Uncertain significance for Isolated microphthalmia 4; Leber congenital amaurosis 17; Klippel-Feil syndrome 1, autosomal dominant; Microphthalmia, isolated, with coloboma 6. Last evaluated: 2024-03-07. Review status: criteria provided, single submitter. Criteria: Invitae Variant Classification Sherloc (09022015). Collection method: clinical testing. Allele origin: germline.
Comment: This sequence change replaces proline, which is neutral and non-polar, with serine, which is neutral and polar, at codon 209 of the GDF6 protein (p.Pro209Ser). This variant is present in population databases (no rsID available, gnomAD 0.005%). This variant has not been reported in the literature in individuals affected with GDF6-related conditions. Advanced modeling of protein sequence and biophysical properties (such as structural, functional, and spatial information, amino acid conservation, physicochemical variation, residue mobility, and thermodynamic stability) performed at Invitae indicates that this missense variant is not expected to disrupt GDF6 protein function with a negative predictive value of 80%. In summary, the available evidence is currently insufficient to determine the role of this variant in disease. Therefore, it has been classified as a Variant of Uncertain Significance.

NM_001001557.4(GDF6):c.625C>T (p.Pro209Ser)

Gene: GDF6 (growth differentiation factor 6; minus strand). Cytogenetic location: 8q22.1.
Variant type: single nucleotide variant.
Coding change: c.625C>T on transcript NM_001001557.4 (MANE Select); coding-DNA position 625, C replaced by T.
Protein change: p.Pro209Ser; replaces proline 209 with serine.
Molecular consequence: missense variant.
Genome position (GRCh38, 1-based): chr8:96,145,306, G>A on the plus strand (C>T on the coding strand, the complement: GDF6 is on the minus strand). VCF-style: chr8-96145306-G-A. GRCh37 (hg19) VCF-style: chr8-97157534-G-A.
Other names: short protein forms P209S.
Identifiers: ClinVar variation 2927707 (VCV002927707.4), dbSNP rs1368221807, ClinGen allele CA371752211.
Genomic context (GRCh38, chr8:96,145,306, plus strand): 5'-GCTGCTTCCAGGGCTGGTGGCGCAGGCCCTGCCACACGTCGAAGACTTCCCAGCCGGCCG[G>A]CGGCGCCCCCTGCGGGTCCAGGGTCCGCGCGTCCAGCAGTAGGGGCGAAAGGCAAGGGAA-3'
Protein context (NP_001001557.1, residues 199-219): ARTLDPQGAP[Pro209Ser]AGWEVFDVWQ